The following is an entry in ClinVar:

NM_001114753.3(ENG):c.1748C>G (p.Thr583Arg)

Gene: ENG (endoglin; minus strand). Cytogenetic location: 9q34.11.
Variant type: single nucleotide variant.
Coding change: c.1748C>G on transcript NM_001114753.3 (MANE Select); coding-DNA position 1748, C replaced by G.
Protein change: p.Thr583Arg; replaces threonine 583 with arginine.
Molecular consequence: missense variant.
Genome position (GRCh38, 1-based): chr9:127,816,047, G>C on the plus strand (C>G on the coding strand, the complement: ENG is on the minus strand). VCF-style: chr9-127816047-G-C. GRCh37 (hg19) VCF-style: chr9-130578326-G-C.
Other names: c.1748C>G, p.Thr583Arg (NM_000118.4); c.1202C>G, p.Thr401Arg (NM_001278138.2); c.1748C>G (NM_001114753.1); short protein forms T401R, T583R.
Identifiers: ClinVar variation 2753247 (VCV002753247.4), dbSNP rs1165364320, ClinGen allele CA374972320.
Genomic context (GRCh38, chr9:127,816,047, plus strand): 5'-CCGATGAGGAAGGCACCAAAGGTGATGCCCAGCACGGCGGGCAGGACGAGGCCTTTGCTT[G>C]TGCAACCTAGAGAGGGCCGACGCCATCAGCACTGCCACTCTGCCCCTGCCCCATCCCCTA-3'
Protein context (NP_001108225.1, residues 573-593): NIISPDLSGC[Thr583Arg]SKGLVLPAVL

ClinVar aggregate classification (germline): Uncertain significance. Review status: criteria provided, multiple submitters, no conflicts (2 of 4 stars). 2 submissions from 2 submitters: Uncertain significance (2). Last evaluated 2025-12-20.

Conditions:
Hereditary hemorrhagic telangiectasia (HHT). Also called: ORW DISEASE; Osler Weber Rendu syndrome; OSLER-RENDU-WEBER DISEASE; Osler hemorrhagic telangiectasia syndrome. Identifiers: Orphanet 774, MedGen C0039445, MONDO:0019180. Disease mechanism: loss of function.
Cardiovascular phenotype. Identifiers: MedGen CN230736.

Submissions (2):

Ambry Genetics
Classification: Uncertain significance for Cardiovascular phenotype. Last evaluated: 2025-12-20. Review status: criteria provided, single submitter. Criteria: Ambry Variant Classification Scheme 2023. Collection method: clinical testing. Allele origin: germline.
Comment: The p.T583R variant (also known as c.1748C>G), located in coding exon 14 of the ENG gene, results from a C to G substitution at nucleotide position 1748. The threonine at codon 583 is replaced by arginine, an amino acid with similar properties. This amino acid position is conserved. In addition, this alteration is predicted to be tolerated by in silico analysis. Based on the available evidence, the clinical significance of this variant remains unclear.

Labcorp Genetics (formerly Invitae), Labcorp
Classification: Uncertain significance for Hereditary hemorrhagic telangiectasia. Last evaluated: 2022-11-28. Review status: criteria provided, single submitter. Criteria: Invitae Variant Classification Sherloc (09022015). Collection method: clinical testing. Allele origin: germline.
Comment: In summary, the available evidence is currently insufficient to determine the role of this variant in disease. Therefore, it has been classified as a Variant of Uncertain Significance. Advanced modeling of protein sequence and biophysical properties (such as structural, functional, and spatial information, amino acid conservation, physicochemical variation, residue mobility, and thermodynamic stability) performed at Invitae indicates that this missense variant is not expected to disrupt ENG protein function. This variant has not been reported in the literature in individuals affected with ENG-related conditions. This variant is not present in population databases (gnomAD no frequency). This sequence change replaces threonine, which is neutral and polar, with arginine, which is basic and polar, at codon 583 of the ENG protein (p.Thr583Arg).